The following is an entry in ClinVar:

NM_024642.5(GALNT12):c.477C>T (p.Val159=)

Gene: GALNT12 (polypeptide N-acetylgalactosaminyltransferase 12; plus strand). Cytogenetic location: 9q22.33.
Variant type: single nucleotide variant.
Coding change: c.477C>T on transcript NM_024642.5 (MANE Select); coding-DNA position 477, C replaced by T.
Protein change: p.Val159=; no amino-acid change (valine 159 retained).
Molecular consequence: synonymous variant.
Genome position (GRCh38, 1-based): chr9:98,823,361, C>T. VCF-style: chr9-98823361-C-T. GRCh37 (hg19) VCF-style: chr9-101585643-C-T.
Identifiers: ClinVar variation 1743027 (VCV001743027.3), dbSNP rs1014512076, ClinGen allele CA466423588.
Genomic context (GRCh38, chr9:98,823,361, plus strand): 5'-TGTTATCATAGCATTTTATAATGAAGCCTGGTCAACTCTCCTTCGGACAGTTTACAGTGT[C>T]CTTGAGACATCCCCGGATATCCTGCTAGAAGAAGTGATCCTTGTAGATGACTACAGTGAT-3'
Protein context (NP_078918.3, residues 149-169): WSTLLRTVYS[Val159=]LETSPDILLE

ClinVar aggregate classification (germline): Benign/Likely benign. Review status: criteria provided, multiple submitters, no conflicts (2 of 4 stars). 2 submissions from 2 submitters: Benign (1); Likely benign (1). Last evaluated 2026-04-23.

Conditions:
Colorectal cancer, susceptibility to, 1. Also called: COLORECTAL ADENOMA AND CANCER, SUSCEPTIBILITY TO; COLORECTAL CANCER, SUSCEPTIBILITY TO, ON CHROMOSOME 9. Identifiers: MedGen C1837315, MONDO:0012132, OMIM 608812.

gnomAD v4.1: 2 of 1,614,022 alleles (0.00012%); highest among the groups gnomAD compares: Admixed American, 0.0033%; no homozygotes.

Submissions (2):

Myriad Genetics, Inc.
Classification: Benign for Colorectal cancer, susceptibility to, 1. Last evaluated: 2026-04-23. Review status: criteria provided, single submitter. Criteria: Myriad Autosomal Dominant, Autosomal Recessive and X-Linked Classification Criteria (2023). Collection method: clinical testing. Allele origin: unknown.
Comment: This variant is considered benign. This variant is a silent/synonymous amino acid change and it is not expected to impact splicing.

Ambry Genetics
Classification: Likely benign. Last evaluated: 2022-08-09. Review status: criteria provided, single submitter. Criteria: Ambry Variant Classification Scheme 2023. Collection method: clinical testing. Allele origin: germline.